The following is an entry in ClinVar:

NM_001173464.2(KIF21A):c.1542G>A (p.Ala514=)

Gene: KIF21A (kinesin family member 21A; minus strand). Cytogenetic location: 12q12.
Variant type: single nucleotide variant.
Coding change: c.1542G>A on transcript NM_001173464.2 (MANE Select); coding-DNA position 1542, G replaced by A.
Protein change: p.Ala514=; no amino-acid change (alanine 514 retained).
Molecular consequence: synonymous variant.
Genome position (GRCh38, 1-based): chr12:39,351,908, C>T on the plus strand (G>A on the coding strand, the complement: KIF21A is on the minus strand). VCF-style: chr12-39351908-C-T. GRCh37 (hg19) VCF-style: chr12-39745710-C-T.
Other names: c.1542G>A, p.Ala514= (NM_001173463.2, NM_001173465.2, NM_017641.4).
Identifiers: ClinVar variation 308580 (VCV000308580.9), dbSNP rs199973182, ClinGen allele CA6510987.

ClinVar aggregate classification (germline): Likely benign. Review status: criteria provided, multiple submitters, no conflicts (2 of 4 stars). 2 submissions from 2 submitters: Likely benign (2). Last evaluated 2019-12-31.

Conditions:
Congenital fibrosis of extraocular muscles type 1. Also called: CFEOM3B; BLEPHAROPTOSIS WITH ABSENT EYE MOVEMENTS; OPHTHALMOPLEGIA, CONGENITAL; FEOM1 LOCUS. Identifiers: MedGen C1851102, MONDO:0021083, OMIM 135700.

Allele frequency attached by ClinVar (database versions not stated): ExAC 0.00012; ESP Exome Variant Server 0.00015; gnomAD 0.00018 and 0.00021; gnomAD exomes 0.00012 and 0.00023; TOPMed 0.00025.
gnomAD v4.1: 216 of 1,613,110 alleles (0.013%); highest among the groups gnomAD compares: Admixed American, 0.058%; no homozygotes.

Submissions (2):

Labcorp Genetics (formerly Invitae), Labcorp
Classification: Likely benign. Last evaluated: 2019-12-31. Review status: criteria provided, single submitter. Criteria: Invitae Variant Classification Sherloc (09022015). Collection method: clinical testing. Allele origin: germline.

Illumina Laboratory Services, Illumina
Classification: Likely benign for Congenital fibrosis of extraocular muscles type 1. Last evaluated: 2018-01-13. Review status: criteria provided, single submitter. Criteria: ICSL Variant Classification Criteria 13 December 2019. Collection method: clinical testing. Allele origin: germline.
Comment: This variant was observed in the ICSL laboratory as part of a predisposition screen in an ostensibly healthy population. It had not been previously curated by ICSL or reported in the Human Gene Mutation Database (HGMD: prior to June 1st, 2018), and was therefore a candidate for classification through an automated scoring system. Utilizing variant allele frequency, disease prevalence and penetrance estimates, and inheritance mode, an automated score was calculated to assess if this variant is too frequent to cause the disease. Based on the score and internal cut-off values, a variant classified as likely benign is not then subjected to further curation. The score for this variant resulted in a classification of likely benign for this disease.